The following is an entry in ClinVar:

ClinVar aggregate classification (germline): Uncertain significance (1 of 4 stars; one submission).

Conditions:
Autosomal recessive limb-girdle muscular dystrophy type 2J (LGMDR10). Also called: Limb-girdle muscular dystrophy, type 2J; MUSCULAR DYSTROPHY, LIMB-GIRDLE, AUTOSOMAL RECESSIVE 10. Identifiers: Orphanet 140922, MedGen C1837342, MONDO:0012127, OMIM 608807.
Dilated cardiomyopathy 1G (CMD1G). Identifiers: Orphanet 154, MedGen C1858763, MONDO:0011400, OMIM 604145.

Submission:

Labcorp Genetics (formerly Invitae), Labcorp
Classification: Uncertain significance for Dilated cardiomyopathy 1G; Autosomal recessive limb-girdle muscular dystrophy type 2J. Last evaluated: 2023-10-14. Review status: criteria provided, single submitter. Criteria: Invitae Variant Classification Sherloc (09022015). Collection method: clinical testing. Allele origin: germline.
Comment: This sequence change replaces lysine, which is basic and polar, with arginine, which is basic and polar, at codon 35847 of the TTN protein (p.Lys35847Arg). This variant is not present in population databases (gnomAD no frequency). This variant has not been reported in the literature in individuals affected with TTN-related conditions. ClinVar contains an entry for this variant (Variation ID: 663107). Experimental studies and prediction algorithms are not available or were not evaluated, and the functional significance of this variant is currently unknown. This variant is located in the M band of TTN (PMID: 25589632). Variants in this region may be relevant for neuromuscular disorders, but have not been definitively shown to cause cardiomyopathy (PMID: 23975875). In summary, the available evidence is currently insufficient to determine the role of this variant in disease. Therefore, it has been classified as a Variant of Uncertain Significance.

Literature cited by the submitters: PubMed 25589632; PubMed 23975875.

NM_001267550.2(TTN):c.107540A>G (p.Lys35847Arg)

Genes: TTN-AS1 (TTN antisense RNA 1; plus strand), TTN (titin; minus strand). Cytogenetic location: 2q31.2.
Variant type: single nucleotide variant.
Coding change: c.107540A>G on transcript NM_001267550.2 (MANE Select); coding-DNA position 107540, A replaced by G.
Protein change: p.Lys35847Arg; replaces lysine 35847 with arginine.
Molecular consequence: missense variant.
Genome position (GRCh38, 1-based): chr2:178,527,586, T>C on the plus strand (A>G on the coding strand, the complement: TTN is on the minus strand). VCF-style: chr2-178527586-T-C. GRCh37 (hg19) VCF-style: chr2-179392313-T-C.
Other names: c.102617A>G, p.Lys34206Arg (NM_001256850.1); c.80345A>G, p.Lys26782Arg (NM_003319.4); c.99836A>G, p.Lys33279Arg (NM_133378.4); c.80720A>G, p.Lys26907Arg (NM_133432.3); c.80921A>G, p.Lys26974Arg (NM_133437.4); short protein forms K26907R, K33279R, K34206R, K35847R, K26782R, K26974R.
Identifiers: ClinVar variation 663107 (VCV000663107.11), dbSNP rs1575176578, ClinGen allele CA349400150.